The following is an entry in ClinVar:

NM_002878.4(RAD51D):c.109G>C (p.Glu37Gln)

Genes: RAD51D (RAD51 paralog D; minus strand), RAD51L3-RFFL (RAD51L3-RFFL readthrough; minus strand). Cytogenetic location: 17q12.
Variant type: single nucleotide variant.
Coding change: c.109G>C on transcript NM_002878.4 (MANE Select); coding-DNA position 109, G replaced by C.
Protein change: p.Glu37Gln; replaces glutamic acid 37 with glutamine.
Molecular consequence: missense variant. On other transcripts: non-coding transcript variant (2).
Genome position (GRCh38, 1-based): chr17:35,119,146, C>G on the plus strand (G>C on the coding strand, the complement: RAD51D is on the minus strand). VCF-style: chr17-35119146-C-G. GRCh37 (hg19) VCF-style: chr17-33446165-C-G.
Other names: c.109G>C, p.Glu37Gln (NM_001142571.2, NM_133629.3); short protein forms E37Q.
Identifiers: ClinVar variation 232574 (VCV000232574.17), dbSNP rs876659848, ClinGen allele CA10580472.

ClinVar aggregate classification (germline): Uncertain significance. Review status: criteria provided, multiple submitters, no conflicts (2 of 4 stars). 5 submissions from 5 submitters: Uncertain significance (5). Last evaluated 2025-05-19.

Conditions:
Hereditary cancer-predisposing syndrome. Also called: Tumor predisposition; Hereditary neoplastic syndrome; Hereditary Cancer Syndrome; Neoplastic Syndromes, Hereditary. Identifiers: Orphanet 140162, MedGen C0027672, MeSH D009386, MONDO:0015356.
Hereditary breast ovarian cancer syndrome. Also called: Hereditary breast and/or ovarian cancer syndrome; Breast and ovarian cancer; Hereditary breast and ovarian cancer; Hereditary breast and ovarian cancer syndrome; Hereditary breast and ovarian cancer syndrome (HBOC); BRCA1- and BRCA2-Associated Hereditary Breast and Ovarian Cancer. Identifiers: Orphanet 145, MedGen C0677776, MeSH D061325, MONDO:0003582. Disease mechanism: loss of function.
Breast-ovarian cancer, familial, susceptibility to, 4. Identifiers: Orphanet 145, MedGen C3280345, MONDO:0013669, OMIM 614291.

Allele frequency attached by ClinVar (database versions not stated): TOPMed below 0.00001.

Submissions (5):

Dasa
Classification: Uncertain significance. Last evaluated: 2025-05-19. Review status: criteria provided, single submitter. Criteria: DASA Assertion Criteria. Collection method: clinical testing. Allele origin: germline.
Comment: NM_002878.4(RAD51D):c.109G>C (p.Glu37Gln) is a missense variant that results in the substitution of glutamic acid with glutamine. This variant is absent from population databases. Computational prediction algorithms are consistent with a benign effect. The currently available literature and clinical evidence are not sufficient to establish a definitive association between this variant and the reported condition. Therefore, this variant is classified as a variant of uncertain significance.

Ambry Genetics
Classification: Uncertain significance for Hereditary cancer-predisposing syndrome. Last evaluated: 2025-03-10. Review status: criteria provided, single submitter. Criteria: Ambry Variant Classification Scheme 2023. Collection method: clinical testing. Allele origin: germline.
Comment: The p.E37Q variant (also known as c.109G>C), located in coding exon 2 of the RAD51D gene, results from a G to C substitution at nucleotide position 109. The glutamic acid at codon 37 is replaced by glutamine, an amino acid with highly similar properties. This amino acid position is highly conserved in available vertebrate species. In addition, the in silico prediction for this alteration is inconclusive. Since supporting evidence is limited at this time, the clinical significance of this alteration remains unclear.

Labcorp Genetics (formerly Invitae), Labcorp
Classification: Uncertain significance for Breast-ovarian cancer, familial, susceptibility to, 4. Last evaluated: 2023-10-24. Review status: criteria provided, single submitter. Criteria: Invitae Variant Classification Sherloc (09022015). Collection method: clinical testing. Allele origin: germline.
Comment: This sequence change replaces glutamic acid, which is acidic and polar, with glutamine, which is neutral and polar, at codon 37 of the RAD51D protein (p.Glu37Gln). This variant is not present in population databases (gnomAD no frequency). This variant has not been reported in the literature in individuals affected with RAD51D-related conditions. ClinVar contains an entry for this variant (Variation ID: 232574). An algorithm developed to predict the effect of missense changes on protein structure and function (PolyPhen-2) suggests that this variant is likely to be disruptive. In summary, the available evidence is currently insufficient to determine the role of this variant in disease. Therefore, it has been classified as a Variant of Uncertain Significance.

Baylor Genetics
Classification: Uncertain significance for Breast-ovarian cancer, familial, susceptibility to, 4. Last evaluated: 2023-09-20. Review status: criteria provided, single submitter. Criteria: ACMG Guidelines, 2015. Collection method: clinical testing. Allele origin: unknown.

Mendelics
Classification: Uncertain significance for Hereditary breast and ovarian cancer syndrome. Last evaluated: 2018-07-02. Review status: criteria provided, single submitter. Criteria: Mendelics Assertion Criteria 2017. Collection method: clinical testing. Allele origin: unknown.